The following is an entry in ClinVar:

NM_005908.4(MANBA):c.1709C>T (p.Ser570Leu)

Gene: MANBA (mannosidase beta; minus strand). Cytogenetic location: 4q24.
Variant type: single nucleotide variant.
Coding change: c.1709C>T on transcript NM_005908.4 (MANE Select); coding-DNA position 1709, C replaced by T.
Protein change: p.Ser570Leu; replaces serine 570 with leucine.
Molecular consequence: missense variant.
Genome position (GRCh38, 1-based): chr4:102,650,697, G>A on the plus strand (C>T on the coding strand, the complement: MANBA is on the minus strand). VCF-style: chr4-102650697-G-A. GRCh37 (hg19) VCF-style: chr4-103571854-G-A.
Other names: short protein forms S570L.
Identifiers: ClinVar variation 1383051 (VCV001383051.5), dbSNP rs542071291, ClinGen allele CA3026814.
Genomic context (GRCh38, chr4:102,650,697, plus strand): 5'-CCTTCGTGATGTTGTCGATGAAGTGAAAACTTGCTATTGAAAGACCAGTCCTCTGTAGAC[G>A]AGACCTTTCAAATAAAGAATAAGAATTAGAAATCTGAAAGTTGGCAGTAAAACTACTTTT-3'
Protein context (NP_005899.3, residues 560-580): WPSFSTLEKV[Ser570Leu]STEDWSFNSK

ClinVar aggregate classification (germline): Uncertain significance (1 of 4 stars; one submission).

Conditions:
Beta-D-mannosidosis (MANSB). Also called: MANNOSIDOSIS, BETA A, LYSOSOMAL; BETA-MANNOSIDASE DEFICIENCY; LYSOSOMAL BETA-MANNOSIDASE DEFICIENCY; Beta-Mannosidosis. Identifiers: Orphanet 118, MedGen C4048196, MONDO:0009562, OMIM 248510.

Allele frequency attached by ClinVar (database versions not stated): gnomAD 0.00002 and 0.00003; gnomAD exomes 0.00015; ExAC 0.00014; TOPMed 0.00004.
gnomAD v4.1: 71 of 1,611,272 alleles (0.0044%); highest among the groups gnomAD compares: East Asian, 0.047%; no homozygotes.

Submission:

Labcorp Genetics (formerly Invitae), Labcorp
Classification: Uncertain significance for Beta-D-mannosidosis. Last evaluated: 2022-06-13. Review status: criteria provided, single submitter. Criteria: Invitae Variant Classification Sherloc (09022015). Collection method: clinical testing. Allele origin: germline.
Comment: This sequence change replaces serine, which is neutral and polar, with leucine, which is neutral and non-polar, at codon 570 of the MANBA protein (p.Ser570Leu). This variant is present in population databases (rs542071291, gnomAD 0.1%). This variant has not been reported in the literature in individuals affected with MANBA-related conditions. Algorithms developed to predict the effect of missense changes on protein structure and function are either unavailable or do not agree on the potential impact of this missense change (SIFT: "Tolerated"; PolyPhen-2: "Probably Damaging"; Align-GVGD: "Class C0"). In summary, the available evidence is currently insufficient to determine the role of this variant in disease. Therefore, it has been classified as a Variant of Uncertain Significance.